The following is an entry in ClinVar:

ClinVar aggregate classification (germline): Conflicting classifications of pathogenicity. Review status: criteria provided, conflicting classifications (1 of 4 stars). 2 submissions from 2 submitters: Uncertain significance (1); Likely benign (1). Last evaluated 2025-10-14.

Conditions:
Inborn genetic diseases. Identifiers: MedGen C0950123, MeSH D030342.

Allele frequency attached by ClinVar (database versions not stated): TOPMed 0.00002; gnomAD exomes 0.00003; ExAC 0.00021.
gnomAD v4.1: 16 of 1,552,670 alleles (0.001%); highest among the groups gnomAD compares: Admixed American, 0.03%; no homozygotes.

Submissions (2):

Ambry Genetics
Classification: Likely benign for Inborn genetic diseases. Last evaluated: 2025-10-14. Review status: criteria provided, single submitter. Criteria: Ambry Variant Classification Scheme 2023. Collection method: clinical testing. Allele origin: germline.

Labcorp Genetics (formerly Invitae), Labcorp
Classification: Uncertain significance. Last evaluated: 2022-09-26. Review status: criteria provided, single submitter. Criteria: Invitae Variant Classification Sherloc (09022015). Collection method: clinical testing. Allele origin: germline.
Comment: This sequence change replaces leucine, which is neutral and non-polar, with proline, which is neutral and non-polar, at codon 519 of the DLL1 protein (p.Leu519Pro). This variant is present in population databases (rs745618641, gnomAD 0.06%), and has an allele count higher than expected for a pathogenic variant. This variant has not been reported in the literature in individuals affected with DLL1-related conditions. Algorithms developed to predict the effect of missense changes on protein structure and function are either unavailable or do not agree on the potential impact of this missense change (SIFT: "Tolerated"; PolyPhen-2: "Probably Damaging"; Align-GVGD: "Class C0"). In summary, the available evidence is currently insufficient to determine the role of this variant in disease. Therefore, it has been classified as a Variant of Uncertain Significance.

NM_005618.4(DLL1):c.1556T>C (p.Leu519Pro)

Gene: DLL1 (delta like canonical Notch ligand 1; minus strand). Cytogenetic location: 6q27.
Variant type: single nucleotide variant.
Coding change: c.1556T>C on transcript NM_005618.4 (MANE Select); coding-DNA position 1556, T replaced by C.
Protein change: p.Leu519Pro; replaces leucine 519 with proline.
Molecular consequence: missense variant.
Genome position (GRCh38, 1-based): chr6:170,283,723, A>G on the plus strand (T>C on the coding strand, the complement: DLL1 is on the minus strand). VCF-style: chr6-170283723-A-G. GRCh37 (hg19) VCF-style: chr6-170592811-A-G.
Other names: c.1556T>C (NM_005618.3); short protein forms L519P.
Identifiers: ClinVar variation 1980580 (VCV001980580.5), dbSNP rs745618641, ClinGen allele CA4106795.